The following is an entry in ClinVar:

NM_000218.3(KCNQ1):c.1061A>G (p.Lys354Arg)

Gene: KCNQ1 (potassium voltage-gated channel subfamily Q member 1; plus strand). Cytogenetic location: 11p15.5.
Variant type: single nucleotide variant.
Coding change: c.1061A>G on transcript NM_000218.3 (MANE Select); coding-DNA position 1061, A replaced by G.
Protein change: p.Lys354Arg; replaces lysine 354 with arginine.
Molecular consequence: missense variant.
Genome position (GRCh38, 1-based): chr11:2,585,240, A>G. VCF-style: chr11-2585240-A-G. GRCh37 (hg19) VCF-style: chr11-2606470-A-G.
Other names: c.1061A>G (LRG_287t1); c.791A>G, p.Lys264Arg (NM_001406837.1); c.680A>G, p.Lys227Arg (NM_181798.2); short protein forms K354R, K227R, K264R.
Identifiers: ClinVar variation 67008 (VCV000067008.6), dbSNP rs199473404, ClinGen allele CA005125.

ClinVar aggregate classification (germline): Uncertain significance. Review status: criteria provided, multiple submitters, no conflicts (2 of 4 stars). 3 submissions from 3 submitters: Uncertain significance (2). 1 of the submissions does not count toward it. Last evaluated 2024-05-07.

Conditions:
Familial long QT syndrome (RWS). Also called: Congenital long QT syndrome; Romano-Ward syndrome; VENTRICULAR FIBRILLATION WITH PROLONGED QT INTERVAL. Identifiers: Orphanet 768, MedGen C1141890, MONDO:0019171.
Long QT syndrome (LQTS). Identifiers: MedGen C0023976, MeSH D008133, MONDO:0002442. Disease mechanism: loss of function. Inheritance: Various modes of inheritance.

Allele frequency attached by ClinVar (database versions not stated): gnomAD exomes below 0.00001.
gnomAD v4.1: 1 of 1,614,068 alleles (0.000062%); highest among the groups gnomAD compares: East Asian, 0.0022%; no homozygotes.

Submissions (3):

Labcorp Genetics (formerly Invitae), Labcorp
Classification: Uncertain significance for Long QT syndrome. Last evaluated: 2024-05-07. Review status: criteria provided, single submitter. Criteria: Invitae Variant Classification Sherloc (09022015). Collection method: clinical testing. Allele origin: germline.
Comment: This sequence change replaces lysine, which is basic and polar, with arginine, which is basic and polar, at codon 354 of the KCNQ1 protein (p.Lys354Arg). This variant is not present in population databases (gnomAD no frequency). This variant has not been reported in the literature in individuals affected with KCNQ1-related conditions. ClinVar contains an entry for this variant (Variation ID: 67008). Advanced modeling of protein sequence and biophysical properties (such as structural, functional, and spatial information, amino acid conservation, physicochemical variation, residue mobility, and thermodynamic stability) performed at Invitae indicates that this missense variant is expected to disrupt KCNQ1 protein function with a positive predictive value of 95%. Experimental studies have shown that this missense change does not substantially affect KCNQ1 function (PMID: 24947509). Algorithms developed to predict the effect of sequence changes on RNA splicing suggest that this variant may disrupt the consensus splice site. In summary, the available evidence is currently insufficient to determine the role of this variant in disease. Therefore, it has been classified as a Variant of Uncertain Significance.

All of Us Research Program, National Institutes of Health
Classification: Uncertain significance for Long QT syndrome. Last evaluated: 2023-10-02. Review status: criteria provided, single submitter. Criteria: ACMG Guidelines, 2015. Collection method: clinical testing. Allele origin: germline. Inheritance: Autosomal dominant inheritance. Observed: 1 variant allele, 1 heterozygote.
Comment: This variant is located in a well-established functional domain of the protein where other pathogenic or likely pathogenic variants have been described. (PMID: 25854863). This variant is absent from or rare in large population databases, including the Genome Aggregation Database. This variant is predicted to be deleterious by in silico analysis. This prediction has not been confirmed by functional studies.

This study involves interpretation of variants in research participants for the purpose of population health screening. Participant phenotype was not available at the time of variant classification. Additional details can be found in publication PMID: 35346344, PMCID: PMC8962531

Cardiovascular Biomedical Research Unit, Royal Brompton & Harefield NHS Foundation Trust
No classification provided. Condition: Familial long QT syndrome. Review status: no classification provided. Collection method: literature only. Allele origin: germline. Not counted in ClinVar's aggregate classification.
Comment: This variant has been reported as associated with Long QT syndrome in the following publications (PMID:19716085). This is a literature report, and does not necessarily reflect the clinical interpretation of the Imperial College / Royal Brompton Cardiovascular Genetics laboratory.

Literature cited by the submitters: PubMed 24947509 (cited by Labcorp Genetics (formerly Invitae), Labcorp); PubMed 25854863 (cited by All of Us Research Program, National Institutes of Health); PubMed 19716085 (cited by Cardiovascular Biomedical Research Unit, Royal Brompton & Harefield NHS Foundation Trust); PubMed 22581653 (cited by Cardiovascular Biomedical Research Unit, Royal Brompton & Harefield NHS Foundation Trust).